The following is an entry in ClinVar:

ClinVar aggregate classification (germline): Uncertain significance (1 of 4 stars; one submission).

Conditions:
Hereditary cancer-predisposing syndrome. Also called: Hereditary neoplastic syndrome; Neoplastic Syndromes, Hereditary; Tumor predisposition; Hereditary Cancer Syndrome. Identifiers: Orphanet 140162, MedGen C0027672, MeSH D009386, MONDO:0015356.

Submission:

Ambry Genetics
Classification: Uncertain significance for Hereditary cancer-predisposing syndrome. Last evaluated: 2024-12-21. Review status: criteria provided, single submitter. Criteria: Ambry Variant Classification Scheme 2023. Collection method: clinical testing. Allele origin: germline.
Comment: The p.F1498S variant (also known as c.4493T>C), located in coding exon 22 of the DICER1 gene, results from a T to C substitution at nucleotide position 4493. The phenylalanine at codon 1498 is replaced by serine, an amino acid with highly dissimilar properties. This amino acid position is conserved. In addition, the in silico prediction for this alteration is inconclusive. Based on the available evidence, the clinical significance of this variant remains unclear.

NM_177438.3(DICER1):c.4493T>C (p.Phe1498Ser)

Gene: DICER1 (dicer 1, ribonuclease III; minus strand). Cytogenetic location: 14q32.13.
Variant type: single nucleotide variant.
Coding change: c.4493T>C on transcript NM_177438.3 (MANE Select); coding-DNA position 4493, T replaced by C.
Protein change: p.Phe1498Ser; replaces phenylalanine 1498 with serine.
Molecular consequence: missense variant. On other transcripts: non-coding transcript variant (6).
Genome position (GRCh38, 1-based): chr14:95,096,427, A>G on the plus strand (T>C on the coding strand, the complement: DICER1 is on the minus strand). VCF-style: chr14-95096427-A-G. GRCh37 (hg19) VCF-style: chr14-95562764-A-G.
Other names: c.4493T>C, p.Phe1498Ser (NM_001271282.3, NM_001195573.1, NM_001291628.2 and 12 more transcripts); c.4211T>C, p.Phe1404Ser (NM_001395686.1); c.4088T>C, p.Phe1363Ser (NM_001395687.1, NM_001395688.1, NM_001395689.1 and 2 more transcripts); c.3926T>C, p.Phe1309Ser (NM_001395691.1); c.2810T>C, p.Phe937Ser (NM_001395697.1); short protein forms F1309S, F1363S, F1404S, F1498S, F937S.
Identifiers: ClinVar variation 3839973 (VCV003839973.1).
Genomic context (GRCh38, chr14:95,096,427, plus strand): 5'-ACAGCTTTGCTAGGATCCAGATAGCACATTGCATCCCAAGAGCTGTAGTCAAAATCCTCA[A>G]AATCTGATGAAAATGGCATACTACCTAAGGAGGATTTTTTGGGCATTTTCCATTCATATG-3'
Protein context (NP_803187.1, residues 1488-1508): SLGSMPFSSD[Phe1498Ser]EDFDYSSWDA